The following is an entry in ClinVar:

ClinVar aggregate classification (germline): Uncertain significance (1 of 4 stars; one submission).

Conditions:
Familial thoracic aortic aneurysm and aortic dissection (TAAD). Also called: Thoracic aortic aneurysms and dissections. Identifiers: Orphanet 91387, MedGen C4707243, MONDO:0019625.

gnomAD v4.1: 1 of 1,610,902 alleles (0.000062%); highest among the groups gnomAD compares: South Asian, 0.0011%; no homozygotes.

Submission:

Ambry Genetics
Classification: Uncertain significance for Familial thoracic aortic aneurysm and aortic dissection. Last evaluated: 2025-12-10. Review status: criteria provided, single submitter. Criteria: Ambry Variant Classification Scheme 2023. Collection method: clinical testing. Allele origin: germline.
Comment: The c.1569G>A variant (also known as p.V523V), located in coding exon 14 of the PLOD1 gene, results from a G to A substitution at nucleotide position 1569. This nucleotide substitution does not change the amino acid at codon 523. This nucleotide position is not well conserved in available vertebrate species. In silico splice site analysis predicts that this alteration may result in the creation or strengthening of a novel splice donor site. Based on the available evidence, the clinical significance of this variant remains unclear.

NM_000302.4(PLOD1):c.1569G>A (p.Val523=)

Gene: PLOD1 (procollagen-lysine,2-oxoglutarate 5-dioxygenase 1; plus strand). Cytogenetic location: 1p36.22.
Variant type: single nucleotide variant.
Coding change: c.1569G>A on transcript NM_000302.4 (MANE Select); coding-DNA position 1569, G replaced by A.
Protein change: p.Val523=; no amino-acid change (valine 523 retained).
Molecular consequence: synonymous variant.
Genome position (GRCh38, 1-based): chr1:11,965,578, G>A. VCF-style: chr1-11965578-G-A. GRCh37 (hg19) VCF-style: chr1-12025635-G-A.
Other names: c.1710G>A, p.Val570= (NM_001316320.2).
Identifiers: ClinVar variation 4635513 (VCV004635513.1).